The following is an entry in ClinVar:

ClinVar aggregate classification (germline): Benign. Review status: criteria provided, multiple submitters, no conflicts (2 of 4 stars). 3 submissions from 3 submitters: Benign (2). 1 of the submissions does not count toward it. Last evaluated 2026-01-27.

Conditions:
LRRC56-related disorder. Also called: LRRC56-related condition.

Allele frequency attached by ClinVar (database versions not stated): gnomAD exomes 0.00116 and 0.00312; ExAC 0.00412; 1000 Genomes Project 0.01178; 1000 Genomes Project 30x 0.01202; gnomAD 0.01210 and 0.01313; TOPMed 0.01349; ESP Exome Variant Server 0.01569.
gnomAD v4.1: 3,578 of 1,612,740 alleles (0.22%); highest among the groups gnomAD compares: African/African-American, 4.3%; 65 homozygotes.

Submissions (3):

Labcorp Genetics (formerly Invitae), Labcorp
Classification: Benign. Last evaluated: 2026-01-27. Review status: criteria provided, single submitter. Criteria: Invitae Variant Classification Sherloc (09022015). Collection method: clinical testing. Allele origin: germline.

Breakthrough Genomics
Classification: Benign. Review status: criteria provided, single submitter. Criteria: ACMG Guidelines, 2015. Collection method: not provided. Allele origin: germline. Inheritance: Autosomal recessive inheritance. Affected: yes.

PreventionGenetics, part of Exact Sciences
Classification: Benign for LRRC56-related condition. Last evaluated: 2019-06-03. Review status: no assertion criteria provided. Collection method: clinical testing. Allele origin: germline. Not counted in ClinVar's aggregate classification.
Comment: This variant is classified as benign based on ACMG/AMP sequence variant interpretation guidelines (Richards et al. 2015 PMID: 25741868, with internal and published modifications).

NM_198075.4(LRRC56):c.382C>G (p.Leu128Val)

Gene: LRRC56 (leucine rich repeat containing 56; plus strand). Cytogenetic location: 11p15.5.
Variant type: single nucleotide variant.
Coding change: c.382C>G on transcript NM_198075.4 (MANE Select); coding-DNA position 382, C replaced by G.
Protein change: p.Leu128Val; replaces leucine 128 with valine.
Molecular consequence: missense variant.
Genome position (GRCh38, 1-based): chr11:549,957, C>G. VCF-style: chr11-549957-C-G. GRCh37 (hg19) VCF-style: chr11-549957-C-G.
Other names: c.382C>G (NM_198075.3); short protein forms L128V.
Identifiers: ClinVar variation 1602196 (VCV001602196.11), dbSNP rs61747450, ClinGen allele CA5779677.
Genomic context (GRCh38, chr11:549,957, plus strand): 5'-TGCAGGGACTTGGGCACGTCTCTGGGCCACCTGCAGGTGCTGTGGCTGGCTCGCTGTGGC[C>G]TCGCTGACCTGGATGGCATCGCCTCTTTGCCAGCACTTAAGGTGAGTCTGGGCACCCTGG-3'
Protein context (NP_932341.1, residues 118-138): LQVLWLARCG[Leu128Val]ADLDGIASLP